The following is an entry in ClinVar:

NM_198407.2(GHSR):c.777G>T (p.Lys259Asn)

Gene: GHSR (growth hormone secretagogue receptor; minus strand). Cytogenetic location: 3q26.31.
Variant type: single nucleotide variant.
Coding change: c.777G>T on transcript NM_198407.2 (MANE Select); coding-DNA position 777, G replaced by T.
Protein change: p.Lys259Asn; replaces lysine 259 with asparagine.
Molecular consequence: missense variant.
Genome position (GRCh38, 1-based): chr3:172,447,637, C>A on the plus strand (G>T on the coding strand, the complement: GHSR is on the minus strand). VCF-style: chr3-172447637-C-A. GRCh37 (hg19) VCF-style: chr3-172165427-C-A.
Other names: c.777G>T, p.Lys259Asn (NM_004122.2); short protein forms K259N.
Identifiers: ClinVar variation 900226 (VCV000900226.9), dbSNP rs140134927, ClinGen allele CA2706404.
Genomic context (GRCh38, chr3:172,447,637, plus strand): 5'-AGGACCCGCGAGAGAAAGCCTGAGCGCGCGCTGAGACCCACCCAGCATTTTCACGGTTTG[C>A]TTGTGGTTCTGGTCCCTGAGCGAGGCACCCACGACAGCATCGCCGCGCCTCCTCCGCCAC-3'
Protein context (NP_940799.1, residues 249-269): VGASLRDQNH[Lys259Asn]QTVKMLAVVV

ClinVar aggregate classification (germline): Uncertain significance. Review status: criteria provided, multiple submitters, no conflicts (2 of 4 stars). 3 submissions from 3 submitters: Uncertain significance (3). Last evaluated 2025-12-23.

Conditions:
Short stature due to growth hormone secretagogue receptor deficiency (GHDP). Also called: Short stature due to GHSR deficiency. Identifiers: Orphanet 314811, MedGen C5887324, MONDO:0014403, OMIM 615925.
GHSR-related disorder. Also called: GHSR-related condition.

Allele frequency attached by ClinVar (database versions not stated): TOPMed 0.00008; gnomAD 0.00009 and 0.00011.
gnomAD v4.1: 382 of 1,614,062 alleles (0.024%); highest among the groups gnomAD compares: Non-Finnish European, 0.03%; no homozygotes.

Submissions (3):

Labcorp Genetics (formerly Invitae), Labcorp
Classification: Uncertain significance. Last evaluated: 2025-12-23. Review status: criteria provided, single submitter. Criteria: Invitae Variant Classification Sherloc (09022015). Collection method: clinical testing. Allele origin: germline.
Comment: This sequence change replaces lysine, which is basic and polar, with asparagine, which is neutral and polar, at codon 259 of the GHSR protein (p.Lys259Asn). This variant is present in population databases (rs140134927, gnomAD 0.02%). This variant has not been reported in the literature in individuals affected with GHSR-related conditions. ClinVar contains an entry for this variant (Variation ID: 900226). Invitae Evidence Modeling of protein sequence and biophysical properties (such as structural, functional, and spatial information, amino acid conservation, physicochemical variation, residue mobility, and thermodynamic stability) indicates that this missense variant is not expected to disrupt GHSR protein function with a negative predictive value of 80%. In summary, the available evidence is currently insufficient to determine the role of this variant in disease. Therefore, it has been classified as a Variant of Uncertain Significance.

PreventionGenetics, part of Exact Sciences
Classification: Uncertain significance for GHSR-related condition. Last evaluated: 2025-07-07. Review status: criteria provided, single submitter. Criteria: ACMG Guidelines, 2015. Collection method: clinical testing. Allele origin: germline.
Comment: The GHSR c.777G>T variant is predicted to result in the amino acid substitution p.Lys259Asn. This variant has been reported in a cohort study of breast cancer (Aloraifi et al. 2015. PubMed ID: 26094658). This variant is present in 0.022% of alleles in individuals of European (Non-Finnish) descent in gnomAD. At this time, the clinical significance of this variant is uncertain due to the absence of conclusive functional and genetic evidence.

Illumina Laboratory Services, Illumina
Classification: Uncertain significance for Short stature due to growth hormone secretagogue receptor deficiency. Last evaluated: 2017-04-27. Review status: criteria provided, single submitter. Criteria: ICSL Variant Classification Criteria 13 December 2019. Collection method: clinical testing. Allele origin: germline.
Comment: This variant was observed as part of a predisposition screen in an ostensibly healthy population. A literature search was performed for the gene, cDNA change, and amino acid change (where applicable). Publications were found based on this search. However, the evidence from the literature, in combination with allele frequency data from public databases where available, was not sufficient to rule this variant in or out of causing disease. Therefore, this variant is classified as a variant of unknown significance.

Literature cited by the submitters: PubMed 26094658 (cited by Illumina Laboratory Services, Illumina).